The following is an entry in ClinVar:

ClinVar aggregate classification (germline): Likely benign. Review status: criteria provided, multiple submitters, no conflicts (2 of 4 stars). 3 submissions from 3 submitters: Likely benign (3). Last evaluated 2026-01-31.

Conditions:
CDH23-related disorder. Also called: CDH23-related condition; CDH23-related disorders.

Allele frequency attached by ClinVar (database versions not stated): gnomAD 0.00001; gnomAD exomes 0.00001; ExAC 0.00002; TOPMed 0.00002; ESP Exome Variant Server 0.00008.
gnomAD v4.1: 17 of 1,613,840 alleles (0.0011%); highest among the groups gnomAD compares: Admixed American, 0.0067%; no homozygotes.

Submissions (3):

Labcorp Genetics (formerly Invitae), Labcorp
Classification: Likely benign. Last evaluated: 2026-01-31. Review status: criteria provided, single submitter. Criteria: Invitae Variant Classification Sherloc (09022015). Collection method: clinical testing. Allele origin: germline.

PreventionGenetics, part of Exact Sciences
Classification: Likely benign for CDH23-related condition. Last evaluated: 2025-03-31. Review status: criteria provided, single submitter. Criteria: ACMG Guidelines, 2015. Collection method: clinical testing. Allele origin: germline.
Comment: This variant is classified as likely benign based on ACMG/AMP sequence variant interpretation guidelines (Richards et al. 2015 PMID: 25741868, with internal and published modifications).

Breakthrough Genomics
Classification: Likely benign. Review status: criteria provided, single submitter. Criteria: ACMG Guidelines, 2015. Collection method: not provided. Allele origin: germline. Inheritance: Autosomal recessive inheritance. Affected: yes.

NM_022124.6(CDH23):c.4272G>A (p.Ser1424=)

Gene: CDH23 (cadherin related 23; plus strand). Cytogenetic location: 10q22.1.
Variant type: single nucleotide variant.
Coding change: c.4272G>A on transcript NM_022124.6 (MANE Select); coding-DNA position 4272, G replaced by A.
Protein change: p.Ser1424=; no amino-acid change (serine 1424 retained).
Molecular consequence: synonymous variant.
Genome position (GRCh38, 1-based): chr10:71,738,560, G>A. VCF-style: chr10-71738560-G-A. GRCh37 (hg19) VCF-style: chr10-73498317-G-A.
Other names: c.4272G>A (NM_022124.5).
Identifiers: ClinVar variation 2144689 (VCV002144689.6), dbSNP rs375062178, ClinGen allele CA5544998.